The following is an entry in ClinVar:

NM_000601.6(HGF):c.982C>G (p.Arg328Gly)

Gene: HGF (hepatocyte growth factor; minus strand). Cytogenetic location: 7q21.11.
Variant type: single nucleotide variant.
Coding change: c.982C>G on transcript NM_000601.6 (MANE Select); coding-DNA position 982, C replaced by G.
Protein change: p.Arg328Gly; replaces arginine 328 with glycine.
Molecular consequence: missense variant.
Genome position (GRCh38, 1-based): chr7:81,729,663, G>C on the plus strand (C>G on the coding strand, the complement: HGF is on the minus strand). VCF-style: chr7-81729663-G-C. GRCh37 (hg19) VCF-style: chr7-81358979-G-C.
Other names: c.967C>G, p.Arg323Gly (NM_001010932.3); c.982C>G (NM_000601.5); short protein forms R323G, R328G.
Identifiers: ClinVar variation 3340444 (VCV003340444.1).
Genomic context (GRCh38, chr7:81,729,663, plus strand): 5'-ACTTGCACTTGAAATTTTCAGGAGTCATGTCATGCTCGTGAGGATACTGAGAATCCCAAC[G>C]CTGACATGGAATTCCATTCCAAATGGTATTGACAGTGCCCCTGTAGCCTTCTCCTTGACC-3'
Protein context (NP_000592.3, residues 318-338): NTIWNGIPCQ[Arg328Gly]WDSQYPHEHD

ClinVar aggregate classification (germline): Uncertain significance (1 of 4 stars; one submission).

gnomAD v4.1: 2 of 1,613,512 alleles (0.00012%); highest among the groups gnomAD compares: Non-Finnish European, 0.00017%; no homozygotes.

Submission:

Seattle Children's Hospital Molecular Genetics Laboratory, Seattle Children's Hospital
Classification: Uncertain significance. Review status: criteria provided, single submitter. Criteria: ACMG Guidelines, 2015. Collection method: clinical testing. Allele origin: germline. Affected: yes.
Comment: The p.Arg328Gly variant substitutes the arginine at amino acid position 328 with a glycine in the kringle 3 domain of the HGF protein. This variant has been observed twice in large population studies (2 or 1,461,360 alleles, gnomAD v4.0.0). Most in silico tools predict the p.Arg328Gly variant to be damaging. An amino acid change at the same position has also been reported (p.Arg328His) in an individual with keratoconus, a disorder of the cornea with no known association with vascular malformations (PMID: 29924831). Substitutions of arginine at position 328 have been observed in carcinomas (COSV55950360 and COSV55959117).